The following is an entry in ClinVar:

NM_007294.4(BRCA1):c.4559G>C (p.Arg1520Thr)

Gene: BRCA1 (BRCA1 DNA repair associated; minus strand). Cytogenetic location: 17q21.31.
Variant type: single nucleotide variant.
Coding change: c.4559G>C on transcript NM_007294.4 (MANE Select); coding-DNA position 4559, G replaced by C.
Protein change: p.Arg1520Thr; replaces arginine 1520 with threonine.
Molecular consequence: missense variant. On other transcripts: non-coding transcript variant (1).
Genome position (GRCh38, 1-based): chr17:43,074,447, C>G on the plus strand (G>C on the coding strand, the complement: BRCA1 is on the minus strand). VCF-style: chr17-43074447-C-G. GRCh37 (hg19) VCF-style: chr17-41226464-C-G.
Other names: c.4346G>C, p.Arg1449Thr (NM_001407571.1, NM_001407894.1, NM_001407895.1 and 12 more transcripts); c.4625G>C, p.Arg1542Thr (NM_001407581.1, NM_001407582.1); c.4622G>C, p.Arg1541Thr (NM_001407583.1, NM_001407585.1, NM_001407587.1 and 1 more transcripts); c.4619G>C, p.Arg1540Thr (NM_001407590.1, NM_001407591.1); c.4559G>C, p.Arg1520Thr (NM_001407593.1, NM_001407594.1, NM_001407596.1 and 8 more transcripts); c.4556G>C, p.Arg1519Thr (NM_001407610.1, NM_001407611.1, NM_001407612.1 and 17 more transcripts); c.4553G>C, p.Arg1518Thr (NM_001407627.1, NM_001407628.1, NM_001407629.1 and 14 more transcripts); c.4550G>C, p.Arg1517Thr (NM_001407644.1, NM_001407645.1); and 68 more; short protein forms R1520T, R1541T, R1473T, R416T, R1224T, R1407T, R1450T, R1453T.
Identifiers: ClinVar variation 482932 (VCV000482932.6), dbSNP rs1555581971, ClinGen allele CA10592398.

ClinVar aggregate classification (germline): Uncertain significance (1 of 4 stars; one submission).

Conditions:
Hereditary cancer-predisposing syndrome. Also called: Neoplastic Syndromes, Hereditary; Tumor predisposition; Hereditary Cancer Syndrome; Hereditary neoplastic syndrome. Identifiers: Orphanet 140162, MedGen C0027672, MeSH D009386, MONDO:0015356.

Submission:

Ambry Genetics
Classification: Uncertain significance for Hereditary cancer-predisposing syndrome. Last evaluated: 2017-01-24. Review status: criteria provided, single submitter. Criteria: Ambry Variant Classification Scheme 2023. Collection method: clinical testing. Allele origin: germline.
Comment: The p.R1520T variant (also known as c.4559G>C), located in coding exon 13 of the BRCA1 gene, results from a G to C substitution at nucleotide position 4559. The arginine at codon 1520 is replaced by threonine, an amino acid with similar properties. This amino acid position is poorly conserved in available vertebrate species. In addition, the in silico prediction for this alteration is inconclusive. Since supporting evidence is limited at this time, the clinical significance of this alteration remains unclear.